The following is an entry in ClinVar:

NM_001127671.2(LIFR):c.657A>G (p.Glu219=)

Gene: LIFR (LIF receptor subunit alpha; minus strand). Cytogenetic location: 5p13.1.
Variant type: single nucleotide variant.
Coding change: c.657A>G on transcript NM_001127671.2 (MANE Select); coding-DNA position 657, A replaced by G.
Protein change: p.Glu219=; no amino-acid change (glutamic acid 219 retained).
Molecular consequence: synonymous variant.
Genome position (GRCh38, 1-based): chr5:38,511,869, T>C on the plus strand (A>G on the coding strand, the complement: LIFR is on the minus strand). VCF-style: chr5-38511869-T-C. GRCh37 (hg19) VCF-style: chr5-38511971-T-C.
Other names: c.657A>G, p.Glu219= (NM_001364297.2, NM_001364298.2, NM_002310.6).
Identifiers: ClinVar variation 2655436 (VCV002655436.24), dbSNP rs2531071537, ClinGen allele CA443948822.
Genomic context (GRCh38, chr5:38,511,869, plus strand): 5'-GCTCCAGTCACTCCACTCTTCGAGACCAGAAAAATGAAGATTGTCAATGTAGCATCTAAT[T>C]TCCACAAAATGAATGGCACATTCCAAGGGCATATCTGAGGCCCAACTCCAGTGATGAAGT-3'
Protein context (NP_001121143.1, residues 209-229): MPLECAIHFV[Glu219=]IRCYIDNLHF

ClinVar aggregate classification (germline): Likely benign (1 of 4 stars; one submission).

Submission:

CeGaT Center for Human Genetics Tuebingen
Classification: Likely benign. Last evaluated: 2023-05-01. Review status: criteria provided, single submitter. Criteria: CeGaT Center For Human Genetics Tuebingen Variant Classification Criteria Version 2. Collection method: clinical testing. Allele origin: germline. Affected: yes. Observed: 1 variant allele.
Comment: LIFR: PM2:Supporting, BP4, BP7